The following is an entry in ClinVar:

ClinVar aggregate classification (germline): Pathogenic (1 of 4 stars; one submission).

Submission:

Labcorp Genetics (formerly Invitae), Labcorp
Classification: Pathogenic. Last evaluated: 2023-01-22. Review status: criteria provided, single submitter. Criteria: Invitae Variant Classification Sherloc (09022015). Collection method: clinical testing. Allele origin: germline.
Comment: For these reasons, this variant has been classified as Pathogenic. This variant has not been reported in the literature in individuals affected with CDH23-related conditions. This variant is not present in population databases (gnomAD no frequency). This sequence change creates a premature translational stop signal (p.Asp2361Alafs*12) in the CDH23 gene. It is expected to result in an absent or disrupted protein product. Loss-of-function variants in CDH23 are known to be pathogenic (PMID: 11138009, 21940737).

Literature cited by the submitters: PubMed 11138009; PubMed 21940737.

NM_022124.6(CDH23):c.7082del (p.Asp2361fs)

Gene: CDH23 (cadherin related 23; plus strand). Cytogenetic location: 10q22.1.
Variant type: Deletion.
Coding change: c.7082del on transcript NM_022124.6 (MANE Select); coding-DNA position 7082, one base deleted (A; older notation c.7082delA).
Protein change: p.Asp2361fs; shifts the reading frame from aspartic acid 2361.
Molecular consequence: frameshift variant.
Genome position (GRCh38, 1-based): chr10:71,799,138, A deleted. VCF-style (leftmost placement, unchanged base first): chr10-71799137-GA-G. GRCh37 (hg19) VCF-style: chr10-73558894-GA-G.
Other names: c.362del, p.Asp121fs (NM_001171933.1, NM_001171934.1); short protein forms D121fs, D2361fs.
Identifiers: ClinVar variation 2828325 (VCV002828325.3), dbSNP rs2494403161, ClinGen allele CA2739275805.